The following is an entry in ClinVar:

NM_001111.5(ADAR):c.3094C>T (p.Arg1032Cys)

Gene: ADAR (adenosine deaminase RNA specific; minus strand). Cytogenetic location: 1q21.3.
Variant type: single nucleotide variant.
Coding change: c.3094C>T on transcript NM_001111.5 (MANE Select); coding-DNA position 3094, C replaced by T.
Protein change: p.Arg1032Cys; replaces arginine 1032 with cysteine.
Molecular consequence: missense variant.
Genome position (GRCh38, 1-based): chr1:154,586,289, G>A on the plus strand (C>T on the coding strand, the complement: ADAR is on the minus strand). VCF-style: chr1-154586289-G-A. GRCh37 (hg19) VCF-style: chr1-154558765-G-A.
Other names: c.2209C>T, p.Arg737Cys (NM_001025107.3, NM_001193495.2, NM_001365046.1 and 2 more transcripts); c.3121C>T, p.Arg1041Cys (NM_001365045.1); c.2131C>T, p.Arg711Cys (NM_001365049.1); c.3016C>T, p.Arg1006Cys (NM_015840.4); c.2959C>T, p.Arg987Cys (NM_015841.4); short protein forms R1006C, R1032C, R1041C, R711C, R737C, R987C.
Identifiers: ClinVar variation 3749408 (VCV003749408.2).

ClinVar aggregate classification (germline): Uncertain significance (1 of 4 stars; one submission).

Conditions:
Symmetrical dyschromatosis of extremities (DSH). Also called: DYSCHROMATOSIS SYMMETRICA HEREDITARIA 1; RETICULATE ACROPIGMENTATION OF DOHI; SYMMETRIC DYSCHROMATOSIS OF THE EXTREMITIES; Dyschromatosis symmetrica hereditaria. Identifiers: Orphanet 41, MedGen C0406775, MONDO:0007483, OMIM 127400.
Aicardi-Goutieres syndrome 6 (AGS6). Identifiers: Orphanet 51, MedGen C3539013, MONDO:0014007, OMIM 615010.

gnomAD v4.1: 4 of 1,614,174 alleles (0.00025%); highest among the groups gnomAD compares: East Asian, 0.0022%; no homozygotes.

Submission:

Labcorp Genetics (formerly Invitae), Labcorp
Classification: Uncertain significance for Aicardi-Goutieres syndrome 6; Symmetrical dyschromatosis of extremities. Last evaluated: 2024-04-25. Review status: criteria provided, single submitter. Criteria: Invitae Variant Classification Sherloc (09022015). Collection method: clinical testing. Allele origin: germline.
Comment: This sequence change replaces arginine, which is basic and polar, with cysteine, which is neutral and slightly polar, at codon 1032 of the ADAR protein (p.Arg1032Cys). This variant is present in population databases (no rsID available, gnomAD 0.006%). This variant has not been reported in the literature in individuals affected with ADAR-related conditions. Advanced modeling of protein sequence and biophysical properties (such as structural, functional, and spatial information, amino acid conservation, physicochemical variation, residue mobility, and thermodynamic stability) has been performed at Invitae for this missense variant, however the output from this modeling did not meet the statistical confidence thresholds required to predict the impact of this variant on ADAR protein function. In summary, the available evidence is currently insufficient to determine the role of this variant in disease. Therefore, it has been classified as a Variant of Uncertain Significance.